The following is an entry in ClinVar:

ClinVar aggregate classification (germline): Uncertain significance (1 of 4 stars; one submission).

Conditions:
Multiple congenital anomalies-hypotonia-seizures syndrome 3 (MCAHS3). Also called: GLYCOSYLPHOSPHATIDYLINOSITOL BIOSYNTHESIS DEFECT 7. Identifiers: Orphanet 369837, MedGen C3809356, MONDO:0014165, OMIM 615398.

Submission:

Labcorp Genetics (formerly Invitae), Labcorp
Classification: Uncertain significance for Multiple congenital anomalies-hypotonia-seizures syndrome 3. Last evaluated: 2023-07-25. Review status: criteria provided, single submitter. Criteria: Invitae Variant Classification Sherloc (09022015). Collection method: clinical testing. Allele origin: germline.
Comment: In summary, the available evidence is currently insufficient to determine the role of this variant in disease. Therefore, it has been classified as a Variant of Uncertain Significance. This variant has not been reported in the literature in individuals affected with PIGT-related conditions. This variant is not present in population databases (gnomAD no frequency). This sequence change results in a frameshift in the PIGT gene (p.Thr532Asnfs*81). While this is not anticipated to result in nonsense mediated decay, it is expected to disrupt the last 47 amino acid(s) of the PIGT protein and extend the protein by 33 additional amino acid residues.

NM_015937.6(PIGT):c.1594dup (p.Thr532fs)

Gene: PIGT (phosphatidylinositol glycan anchor biosynthesis class T; plus strand). Cytogenetic location: 20q13.12.
Variant type: Duplication.
Coding change: c.1594dup on transcript NM_015937.6 (MANE Select); coding-DNA position 1594, one base duplicated (A; older notation c.1594dupA).
Protein change: p.Thr532fs; shifts the reading frame from threonine 532.
Molecular consequence: frameshift variant. On other transcripts: non-coding transcript variant (5).
Genome position (GRCh38, 1-based): chr20:45,425,683, A duplicated. VCF-style (leftmost placement, unchanged base first): chr20-45425682-C-CA. GRCh37 (hg19) VCF-style: chr20-44054322-C-CA.
Other names: c.1426dup, p.Thr476fs (NM_001184728.3); c.1393dup, p.Thr465fs (NM_001184729.3); c.1288dup, p.Thr430fs (NM_001184730.3); short protein forms T430fs, T465fs, T476fs, T532fs.
Identifiers: ClinVar variation 2746978 (VCV002746978.3), dbSNP rs2515567675, ClinGen allele CA2697547392.